The following is an entry in ClinVar:

ClinVar aggregate classification (germline): Uncertain significance (1 of 4 stars; one submission).

Conditions:
Developmental and epileptic encephalopathy, 53. Also called: Epileptic encephalopathy, early infantile, 53. Identifiers: MedGen C4479313, MONDO:0033362, OMIM 617389.
Early-onset Parkinson disease 20. Also called: PARKINSON DISEASE 20, AUTOSOMAL RECESSIVE EARLY-ONSET. Identifiers: Orphanet 391411, MedGen C3809824, MONDO:0014233, OMIM 615530.

Submission:

Labcorp Genetics (formerly Invitae), Labcorp
Classification: Uncertain significance for Developmental and epileptic encephalopathy, 53; Early-onset Parkinson disease 20. Last evaluated: 2019-05-07. Review status: criteria provided, single submitter. Criteria: Invitae Variant Classification Sherloc (09022015). Collection method: clinical testing. Allele origin: germline.
Comment: This variant has not been reported in the literature in individuals with SYNJ1-related disease. In summary, the available evidence is currently insufficient to determine the role of this variant in disease. Therefore, it has been classified as a Variant of Uncertain Significance. Algorithms developed to predict the effect of sequence changes on RNA splicing suggest that this variant may create or strengthen a splice site, but this prediction has not been confirmed by published transcriptional studies. Algorithms developed to predict the effect of missense changes on protein structure and function (SIFT, PolyPhen-2, Align-GVGD) all suggest that this variant is likely to be disruptive, but these predictions have not been confirmed by published functional studies and their clinical significance is uncertain. This variant is not present in population databases (ExAC no frequency). This sequence change replaces serine with glycine at codon 247 of the SYNJ1 protein (p.Ser247Gly). The serine residue is highly conserved and there is a small physicochemical difference between serine and glycine.

NM_203446.3(SYNJ1):c.622A>G (p.Ser208Gly)

Gene: SYNJ1 (synaptojanin 1; minus strand). Cytogenetic location: 21q22.11.
Variant type: single nucleotide variant.
Coding change: c.622A>G on transcript NM_203446.3 (MANE Select); coding-DNA position 622, A replaced by G.
Protein change: p.Ser208Gly; replaces serine 208 with glycine.
Molecular consequence: missense variant.
Genome position (GRCh38, 1-based): chr21:32,695,140, T>C on the plus strand (A>G on the coding strand, the complement: SYNJ1 is on the minus strand). VCF-style: chr21-32695140-T-C. GRCh37 (hg19) VCF-style: chr21-34067450-T-C.
Other names: c.622A>G, p.Ser208Gly (NM_001160302.2, NM_001160306.2); c.739A>G, p.Ser247Gly (NM_003895.4); short protein forms S208G, S247G.
Identifiers: ClinVar variation 646785 (VCV000646785.11), dbSNP rs1601449471, ClinGen allele CA410098191.